The following is an entry in ClinVar:

ClinVar aggregate classification (germline): Uncertain significance (1 of 4 stars; one submission).

Allele frequency attached by ClinVar (database versions not stated): gnomAD 0.00001; gnomAD exomes 0.00001; TOPMed 0.00001; ExAC 0.00009.
gnomAD v4.1: 8 of 701,042 alleles (0.0011%); highest among the groups gnomAD compares: Non-Finnish European, 0.0018%; no homozygotes.

Submission:

CeGaT Center for Human Genetics Tuebingen
Classification: Uncertain significance. Last evaluated: 2023-12-01. Review status: criteria provided, single submitter. Criteria: CeGaT Center For Human Genetics Tuebingen Variant Classification Criteria Version 2. Collection method: clinical testing. Allele origin: germline. Affected: yes. Observed: 1 variant allele.
Comment: PTPRQ: PM2, BP4

NM_001145026.2(PTPRQ):c.391-3102T>G

Gene: PTPRQ (protein tyrosine phosphatase receptor type Q; plus strand). Cytogenetic location: 12q21.31.
Variant type: single nucleotide variant.
Coding change: c.391-3102T>G on transcript NM_001145026.2 (MANE Select); 3102 bases into the intron before coding-DNA position 391, T replaced by G.
Molecular consequence: intron variant.
Genome position (GRCh38, 1-based): chr12:80,454,473, T>G. VCF-style: chr12-80454473-T-G. GRCh37 (hg19) VCF-style: chr12-80855703-A-C.
Identifiers: ClinVar variation 3026183 (VCV003026183.22), dbSNP rs756611041, ClinGen allele CA6702327.